The following is an entry in ClinVar:

ClinVar aggregate classification (germline): Likely benign. Review status: criteria provided, single submitter (1 of 4 stars). 2 submissions from 2 submitters: Likely benign (1). 1 of the submissions does not count toward it. Last evaluated 2025-08-02.

Conditions:
SGPL1-related disorder. Also called: SGPL1-related condition. Identifiers: MedGen CN380158.

Allele frequency attached by ClinVar (database versions not stated): ExAC 0.00001; gnomAD 0.00001; TOPMed 0.00001; gnomAD exomes 0.00003.

Submissions (2):

Labcorp Genetics (formerly Invitae), Labcorp
Classification: Likely benign. Last evaluated: 2025-08-02. Review status: criteria provided, single submitter. Criteria: Invitae Variant Classification Sherloc (09022015). Collection method: clinical testing. Allele origin: germline.

PreventionGenetics, part of Exact Sciences
Classification: Likely benign for SGPL1-related condition. Last evaluated: 2019-06-07. Review status: no assertion criteria provided. Collection method: clinical testing. Allele origin: germline. Not counted in ClinVar's aggregate classification.
Comment: This variant is classified as likely benign based on ACMG/AMP sequence variant interpretation guidelines (Richards et al. 2015 PMID: 25741868, with internal and published modifications).

NM_003901.4(SGPL1):c.1473C>T (p.His491=)

Gene: SGPL1 (sphingosine-1-phosphate lyase 1; plus strand). Cytogenetic location: 10q22.1.
Variant type: single nucleotide variant.
Coding change: c.1473C>T on transcript NM_003901.4 (MANE Select); coding-DNA position 1473, C replaced by T.
Protein change: p.His491=; no amino-acid change (histidine 491 retained).
Molecular consequence: synonymous variant.
Genome position (GRCh38, 1-based): chr10:70,876,568, C>T. VCF-style: chr10-70876568-C-T. GRCh37 (hg19) VCF-style: chr10-72636325-C-T.
Other names: c.1473C>T (NM_003901.3).
Identifiers: ClinVar variation 1983023 (VCV001983023.6), dbSNP rs774525958, ClinGen allele CA5541488.